The following is an entry in ClinVar:

NM_000458.4(HNF1B):c.313G>A (p.Glu105Lys)

Gene: HNF1B (HNF1 homeobox B; minus strand). Cytogenetic location: 17q12.
Variant type: single nucleotide variant.
Coding change: c.313G>A on transcript NM_000458.4 (MANE Select); coding-DNA position 313, G replaced by A.
Protein change: p.Glu105Lys; replaces glutamic acid 105 with lysine.
Molecular consequence: missense variant.
Genome position (GRCh38, 1-based): chr17:37,744,572, C>T on the plus strand (G>A on the coding strand, the complement: HNF1B is on the minus strand). VCF-style: chr17-37744572-C-T. GRCh37 (hg19) VCF-style: chr17-36104563-C-T.
Other names: p.E105K; c.313G>A (NM_000458.2); c.313G>A, p.Glu105Lys (NM_001165923.4, NM_001304286.2); short protein forms E105K.
Identifiers: ClinVar variation 597812 (VCV000597812.20), dbSNP rs199572129, ClinGen allele CA8519117.

ClinVar aggregate classification (germline): Conflicting classifications of pathogenicity. Review status: criteria provided, conflicting classifications (1 of 4 stars). 6 submissions from 6 submitters: Uncertain significance (4); Likely benign (1). 1 of the submissions does not count toward it. Last evaluated 2026-07-29.

Conditions:
HNF1B-related disorder. Also called: HNF1B-related condition; HNF1B-related disorders.
Renal cysts and diabetes syndrome (RCAD). Also called: Familial hypoplastic, glomerulocystic kidney; MATURITY-ONSET DIABETES OF THE YOUNG, TYPE 5. Identifiers: Orphanet 93111, MedGen C0431693, MONDO:0007669, OMIM 137920.

Allele frequency attached by ClinVar (database versions not stated): gnomAD 0.00007 and 0.00006; 1000 Genomes Project 0.00060; gnomAD exomes 0.00014 and 0.00006; 1000 Genomes Project 30x 0.00062; ExAC 0.00013; TOPMed 0.00008.
gnomAD v4.1: 102 of 1,605,720 alleles (0.0064%); highest among the groups gnomAD compares: East Asian, 0.19%; no homozygotes.

Submissions (6):

Nephrology Department, Shuyang Hospital of TCM, Shuyang Hospital of Traditional Chinese Medicine
Classification: Uncertain significance for Renal cysts and diabetes syndrome. Last evaluated: 2026-07-29. Review status: criteria provided, single submitter. Criteria: ACMG Guidelines, 2015. Collection method: provider interpretation. Allele origin: germline. Inheritance: Autosomal dominant inheritance. Affected: yes. Observed: 2 variant alleles, 2 heterozygotes. Clinical features observed: Renal cysts, Chronic kidney disease stage G3b, Impaired glucose tolerance, Insulin resistance, Short stature, Bone age delay, Borderline intellectual disability, Delayed puberty, Renal glycosuria, Hypokalemia, Incomplete distal renal tubular acidosis, Polyuria, and 1 more.
Comment: Following re-evaluation per strict ACMG/AMP 2015 criteria, this variant (c.313G>A, p.E105K) is reclassified as Variant of Uncertain Significance (VUS) . Evidence applied: PM2_Supporting (population rarity; gnomAD MAF ~6.0×10⁻⁵, no homozygotes) + PS3_moderate (functional evidence from a dual-luciferase reporter assay demonstrating altered GLUT2 promoter activity; Gong et al., 2025, PMID:39816627) + PP3 (multiple in silico tools concordantly predict deleterious effect). Evidence not applied: PP1 (weakened by intrafamilial phenotypic discordance—mother with isolated diabetes and completely normal kidneys vs. proband with multisystem disease) and PP4 (the proband lacks HNF1B-characteristic hyperuricaemia and hypomagnesaemia; hyperinsulinaemia and hypogonadism are not HNF1B-specific). This classification is consistent with the majority of independent ClinVar submissions (3× VUS, 2× likely benign).

Labcorp Genetics (formerly Invitae), Labcorp
Classification: Likely benign. Last evaluated: 2025-12-29. Review status: criteria provided, single submitter. Criteria: Invitae Variant Classification Sherloc (09022015). Collection method: clinical testing. Allele origin: germline.

GeneDx
Classification: Uncertain significance. Last evaluated: 2023-06-29. Review status: criteria provided, single submitter. Criteria: GeneDx Variant Classification Process June 2021. Collection method: clinical testing. Allele origin: germline. Affected: yes.
Comment: Reported in a patient with anomalies of the kidneys and urinary tract in published literature (PMID: 32164334, 32708349); In silico analysis supports that this missense variant has a deleterious effect on protein structure/function; This variant is associated with the following publications: (PMID: 17924661, 32531870, 32708349, 31056860, 32164334)

Genetic Services Laboratory, University of Chicago
Classification: Uncertain significance. Last evaluated: 2018-07-13. Review status: criteria provided, single submitter. Criteria: ACMG Guidelines, 2015. Collection method: clinical testing. Allele origin: germline. Affected: no.

Eurofins Ntd Llc (ga)
Classification: Uncertain significance. Last evaluated: 2018-06-29. Review status: criteria provided, single submitter. Criteria: EGL ClinVar v180209 classification definitions. Collection method: clinical testing. Allele origin: germline. Observed: 1 variant allele, 1 heterozygote.

PreventionGenetics, part of Exact Sciences
Classification: Likely benign for HNF1B-related condition. Last evaluated: 2019-09-12. Review status: no assertion criteria provided. Collection method: clinical testing. Allele origin: germline. Not counted in ClinVar's aggregate classification.
Comment: This variant is classified as likely benign based on ACMG/AMP sequence variant interpretation guidelines (Richards et al. 2015 PMID: 25741868, with internal and published modifications).

Literature cited by the submitters: PubMed 39816627 (cited by Nephrology Department, Shuyang Hospital of TCM, Shuyang Hospital of Traditional Chinese Medicine); PubMed 39533813 (cited by Nephrology Department, Shuyang Hospital of TCM, Shuyang Hospital of Traditional Chinese Medicine); PubMed 32708349 (cited by Nephrology Department, Shuyang Hospital of TCM, Shuyang Hospital of Traditional Chinese Medicine); PubMed 32531870 (cited by Nephrology Department, Shuyang Hospital of TCM, Shuyang Hospital of Traditional Chinese Medicine); PubMed 39902194 (cited by Nephrology Department, Shuyang Hospital of TCM, Shuyang Hospital of Traditional Chinese Medicine); PubMed 31056860 (cited by Nephrology Department, Shuyang Hospital of TCM, Shuyang Hospital of Traditional Chinese Medicine).